The following is an entry in ClinVar:

NM_006531.5(IFT88):c.1572T>G (p.Ile524Met)

Gene: IFT88 (intraflagellar transport 88; plus strand). Cytogenetic location: 13q12.11.
Variant type: single nucleotide variant.
Coding change: c.1572T>G on transcript NM_006531.5 (MANE Select); coding-DNA position 1572, T replaced by G.
Protein change: p.Ile524Met; replaces isoleucine 524 with methionine.
Molecular consequence: missense variant. On other transcripts: non-coding transcript variant (4).
Genome position (GRCh38, 1-based): chr13:20,638,517, T>G. VCF-style: chr13-20638517-T-G. GRCh37 (hg19) VCF-style: chr13-21212656-T-G.
Other names: c.1515T>G, p.Ile505Met (NM_001318491.2, NM_001353575.2); c.1599T>G, p.Ile533Met (NM_001318493.2, NM_001353565.2, NM_001353566.2 and 2 more transcripts); c.1572T>G, p.Ile524Met (NM_001353568.2, NM_001353572.2); c.1497T>G, p.Ile499Met (NM_001353569.2, NM_001353570.2, NM_001353576.2 and 1 more transcripts); c.1470T>G, p.Ile490Met (NM_001353571.2, NM_001353578.2); c.1428T>G, p.Ile476Met (NM_001353573.2); c.1413T>G, p.Ile471Met (NM_001353574.2); c.939T>G, p.Ile313Met (NM_001353579.2); short protein forms I471M, I476M, I490M, I533M, I505M, I524M, I313M, I499M.
Identifiers: ClinVar variation 2805145 (VCV002805145.3), dbSNP rs2049366828, ClinGen allele CA387473579.

ClinVar aggregate classification (germline): Uncertain significance (1 of 4 stars; one submission).

Allele frequency attached by ClinVar (database versions not stated): gnomAD exomes below 0.00001; TOPMed below 0.00001.
gnomAD v4.1: 6 of 1,427,324 alleles (0.00042%); highest among the groups gnomAD compares: Non-Finnish European, 0.00055%; no homozygotes.

Submission:

Labcorp Genetics (formerly Invitae), Labcorp
Classification: Uncertain significance. Last evaluated: 2023-02-18. Review status: criteria provided, single submitter. Criteria: Invitae Variant Classification Sherloc (09022015). Collection method: clinical testing. Allele origin: germline.
Comment: This sequence change replaces isoleucine, which is neutral and non-polar, with methionine, which is neutral and non-polar, at codon 533 of the IFT88 protein (p.Ile533Met). In summary, the available evidence is currently insufficient to determine the role of this variant in disease. Therefore, it has been classified as a Variant of Uncertain Significance. An algorithm developed to predict the effect of missense changes on protein structure and function (PolyPhen-2) suggests that this variant is likely to be tolerated. This variant has not been reported in the literature in individuals affected with IFT88-related conditions. This variant is not present in population databases (gnomAD no frequency).